The following is an entry in ClinVar:

NM_182746.3(MCM4):c.2296C>G (p.Arg766Gly)

Gene: MCM4 (minichromosome maintenance complex component 4; plus strand). Cytogenetic location: 8q11.21.
Variant type: single nucleotide variant.
Coding change: c.2296C>G on transcript NM_182746.3 (MANE Select); coding-DNA position 2296, C replaced by G.
Protein change: p.Arg766Gly; replaces arginine 766 with glycine.
Molecular consequence: missense variant.
Genome position (GRCh38, 1-based): chr8:47,974,893, C>G. VCF-style: chr8-47974893-C-G. GRCh37 (hg19) VCF-style: chr8-48887453-C-G.
Other names: c.2296C>G, p.Arg766Gly (NM_005914.4); short protein forms R766G.
Identifiers: ClinVar variation 2069826 (VCV002069826.1), dbSNP rs149597772, ClinGen allele CA371156018.

ClinVar aggregate classification (germline): Uncertain significance (1 of 4 stars; one submission).

gnomAD v4.1: 1 of 1,614,212 alleles (0.000062%); highest among the groups gnomAD compares: Non-Finnish European, 0.000085%; no homozygotes.

Submission:

Labcorp Genetics (formerly Invitae), Labcorp
Classification: Uncertain significance. Last evaluated: 2022-01-02. Review status: criteria provided, single submitter. Criteria: Invitae Variant Classification Sherloc (09022015). Collection method: clinical testing. Allele origin: germline.
Comment: This sequence change replaces arginine, which is basic and polar, with glycine, which is neutral and non-polar, at codon 766 of the MCM4 protein (p.Arg766Gly). This variant is not present in population databases (gnomAD no frequency). This variant has not been reported in the literature in individuals affected with MCM4-related conditions. Algorithms developed to predict the effect of missense changes on protein structure and function (SIFT, PolyPhen-2, Align-GVGD) all suggest that this variant is likely to be disruptive. In summary, the available evidence is currently insufficient to determine the role of this variant in disease. Therefore, it has been classified as a Variant of Uncertain Significance.